The following is an entry in ClinVar:

ClinVar aggregate classification (germline): Likely benign (0 of 4 stars; one submission).

Conditions:
KATNB1-related disorder. Also called: KATNB1-related condition.

Allele frequency attached by ClinVar (database versions not stated): gnomAD 0.00001; ExAC 0.00002; TOPMed 0.00002.
gnomAD v4.1: 15 of 1,604,464 alleles (0.00093%); highest among the groups gnomAD compares: African/African-American, 0.004%; no homozygotes.

Submission:

PreventionGenetics, part of Exact Sciences
Classification: Likely benign for KATNB1-related condition. Last evaluated: 2019-11-25. Review status: no assertion criteria provided. Collection method: clinical testing. Allele origin: germline.
Comment: This variant is classified as likely benign based on ACMG/AMP sequence variant interpretation guidelines (Richards et al. 2015 PMID: 25741868, with internal and published modifications).

NM_005886.3(KATNB1):c.1718+4C>T

Gene: KATNB1 (katanin regulatory subunit B1; plus strand). Cytogenetic location: 16q21.
Variant type: single nucleotide variant.
Coding change: c.1718+4C>T on transcript NM_005886.3 (MANE Select); 4 bases into the intron after coding-DNA position 1718, C replaced by T.
Molecular consequence: intron variant.
Genome position (GRCh38, 1-based): chr16:57,756,070, C>T. VCF-style: chr16-57756070-C-T. GRCh37 (hg19) VCF-style: chr16-57789982-C-T.
Identifiers: ClinVar variation 3048322 (VCV003048322.2), dbSNP rs782807191, ClinGen allele CA8081339.